The following is an entry in ClinVar:

NM_000079.4(CHRNA1):c.679A>G (p.Met227Val)

Gene: CHRNA1 (cholinergic receptor nicotinic alpha 1 subunit; minus strand). Cytogenetic location: 2q31.1.
Variant type: single nucleotide variant.
Coding change: c.679A>G on transcript NM_000079.4 (MANE Select); coding-DNA position 679, A replaced by G.
Protein change: p.Met227Val; replaces methionine 227 with valine.
Molecular consequence: missense variant.
Genome position (GRCh38, 1-based): chr2:174,753,602, T>C on the plus strand (A>G on the coding strand, the complement: CHRNA1 is on the minus strand). VCF-style: chr2-174753602-T-C. GRCh37 (hg19) VCF-style: chr2-175618330-T-C.
Other names: c.754A>G, p.Met252Val (NM_001039523.3); short protein forms M252V, M227V.
Identifiers: ClinVar variation 4743797 (VCV004743797.1).

ClinVar aggregate classification (germline): Uncertain significance (1 of 4 stars; one submission).

Conditions:
Lethal multiple pterygium syndrome (LMPS). Identifiers: Orphanet 33108, MedGen C1854678, MONDO:0009668, OMIM 253290.

Submission:

Labcorp Genetics (formerly Invitae), Labcorp
Classification: Uncertain significance for Lethal multiple pterygium syndrome. Last evaluated: 2026-01-12. Review status: criteria provided, single submitter. Criteria: Invitae Variant Classification Sherloc (09022015). Collection method: clinical testing. Allele origin: germline.
Comment: This sequence change replaces methionine, which is neutral and non-polar, with valine, which is neutral and non-polar, at codon 227 of the CHRNA1 protein (p.Met227Val). This variant is not present in population databases (gnomAD no frequency). This variant has not been reported in the literature in individuals affected with CHRNA1-related conditions. Invitae Evidence Modeling of protein sequence and biophysical properties (such as structural, functional, and spatial information, amino acid conservation, physicochemical variation, residue mobility, and thermodynamic stability) indicates that this missense variant is not expected to disrupt CHRNA1 protein function with a negative predictive value of 80%. In summary, the available evidence is currently insufficient to determine the role of this variant in disease. Therefore, it has been classified as a Variant of Uncertain Significance.